The following is an entry in ClinVar:

ClinVar aggregate classification (germline): Uncertain significance (1 of 4 stars; one submission).

Conditions:
Cardiovascular phenotype. Identifiers: MedGen CN230736.

gnomAD v4.1: 10 of 1,613,792 alleles (0.00062%); highest among the groups gnomAD compares: East Asian, 0.0067%; no homozygotes.

Submission:

Ambry Genetics
Classification: Uncertain significance for Cardiovascular phenotype. Last evaluated: 2025-10-23. Review status: criteria provided, single submitter. Criteria: Ambry Variant Classification Scheme 2023. Collection method: clinical testing. Allele origin: germline.
Comment: The p.N80S variant (also known as c.239A>G), located in coding exon 3 of the PRDM5 gene, results from an A to G substitution at nucleotide position 239. The asparagine at codon 80 is replaced by serine, an amino acid with highly similar properties. This amino acid position is conserved. In addition, this alteration is predicted to be tolerated by in silico analysis. Based on the available evidence, the clinical significance of this variant remains unclear.

NM_018699.4(PRDM5):c.239A>G (p.Asn80Ser)

Gene: PRDM5 (PR/SET domain 5; minus strand). Cytogenetic location: 4q27.
Variant type: single nucleotide variant.
Coding change: c.239A>G on transcript NM_018699.4 (MANE Select); coding-DNA position 239, A replaced by G.
Protein change: p.Asn80Ser; replaces asparagine 80 with serine.
Molecular consequence: missense variant.
Genome position (GRCh38, 1-based): chr4:120,853,479, T>C on the plus strand (A>G on the coding strand, the complement: PRDM5 is on the minus strand). VCF-style: chr4-120853479-T-C. GRCh37 (hg19) VCF-style: chr4-121774634-T-C.
Other names: c.239A>G, p.Asn80Ser (NM_001300823.2, NM_001300824.2, NM_001379104.1 and 1 more transcripts); short protein forms N80S.
Identifiers: ClinVar variation 4614748 (VCV004614748.1).
Genomic context (GRCh38, chr4:120,853,479, plus strand): 5'-TGAATGGCAGCCAAGTTCTTCTGCTCCTGAGATGGTGCCTCATGAACGAAGCGAAGCCAG[T>C]TGGAGTGCCGTGGGTTGGTAGCATCCAAAATGTACAAAACTTCTCCCTTACTCCCACGAA-3'
Protein context (NP_061169.2, residues 70-90): ILDATNPRHS[Asn80Ser]WLRFVHEAPS